The following is an entry in ClinVar:

NM_000392.5(ABCC2):c.3093del (p.Gly1031_Leu1032insTer)

Gene: ABCC2 (ATP binding cassette subfamily C member 2; plus strand). Cytogenetic location: 10q24.2.
Variant type: Deletion.
Coding change: c.3093del on transcript NM_000392.5 (MANE Select); coding-DNA position 3093, one base deleted (A; older notation c.3093delA).
Protein change: p.Gly1031_Leu1032insTer.
Molecular consequence: frameshift variant.
Genome position (GRCh38, 1-based): chr10:99,831,820, A deleted. VCF-style (leftmost placement, unchanged base first): chr10-99831819-GA-G. GRCh37 (hg19) VCF-style: chr10-101591576-GA-G.
Identifiers: ClinVar variation 4999610 (VCV004999610.1).

ClinVar aggregate classification (germline): Likely pathogenic (1 of 4 stars; one submission).

Conditions:
ABCC2-related disorder. Also called: ABCC2-related condition.

Submission:

PreventionGenetics, part of Exact Sciences
Classification: Likely pathogenic for ABCC2-related condition. Last evaluated: 2025-05-30. Review status: criteria provided, single submitter. Criteria: ACMG Guidelines, 2015. Collection method: clinical testing. Allele origin: germline.
Comment: The ABCC2 c.3093delA variant is predicted to result in premature protein termination (p.Leu1032*). To our knowledge, this variant has not been reported in the literature or in a large population database (gnomAD), indicating this variant is rare. Nonsense variants in ABCC2 are expected to be pathogenic. This variant is interpreted as likely pathogenic.